The following is an entry in ClinVar:

ClinVar aggregate classification (germline): Uncertain significance (1 of 4 stars; one submission).

Conditions:
SPAST-related disorder. Also called: SPAST-related condition.

Submission:

PreventionGenetics, part of Exact Sciences
Classification: Uncertain significance for SPAST-related condition. Last evaluated: 2025-06-03. Review status: criteria provided, single submitter. Criteria: ACMG Guidelines, 2015. Collection method: clinical testing. Allele origin: germline.
Comment: The SPAST c.1475T>C variant is predicted to result in the amino acid substitution p.Leu492Pro. To our knowledge, this variant has not been reported in the literature or in a large population database (gnomAD), indicating this variant is rare. At this time, the clinical significance of this variant is uncertain due to the absence of conclusive functional and genetic evidence.

NM_014946.4(SPAST):c.1475T>C (p.Leu492Pro)

Gene: SPAST (spastin; plus strand). Cytogenetic location: 2p22.3.
Variant type: single nucleotide variant.
Coding change: c.1475T>C on transcript NM_014946.4 (MANE Select); coding-DNA position 1475, T replaced by C.
Protein change: p.Leu492Pro; replaces leucine 492 with proline.
Molecular consequence: missense variant.
Genome position (GRCh38, 1-based): chr2:32,137,170, T>C. VCF-style: chr2-32137170-T-C. GRCh37 (hg19) VCF-style: chr2-32362239-T-C.
Other names: c.1472T>C, p.Leu491Pro (NM_001363823.2); c.1376T>C, p.Leu459Pro (NM_001363875.2); c.1379T>C, p.Leu460Pro (NM_001377959.1, NM_199436.2); short protein forms L460P, L492P, L459P, L491P.
Identifiers: ClinVar variation 5000501 (VCV005000501.1).